The following is an entry in ClinVar:

ClinVar aggregate classification (germline): Conflicting classifications of pathogenicity. Review status: criteria provided, conflicting classifications (1 of 4 stars). 3 submissions from 3 submitters: Uncertain significance (1); Benign (1); Likely benign (1). Last evaluated 2026-01-02.

Conditions:
PCARE-related disorder. Also called: PCARE-related condition.

Allele frequency attached by ClinVar (database versions not stated): gnomAD exomes 0.00017 and 0.00036; ExAC 0.00042; TOPMed 0.00003; gnomAD 0.00005 and 0.00009; ESP Exome Variant Server 0.00008.
gnomAD v4.1: 263 of 1,613,594 alleles (0.016%); highest among the groups gnomAD compares: South Asian, 0.2%; 1 homozygote.

Submissions (3):

Labcorp Genetics (formerly Invitae), Labcorp
Classification: Benign. Last evaluated: 2026-01-02. Review status: criteria provided, single submitter. Criteria: Invitae Variant Classification Sherloc (09022015). Collection method: clinical testing. Allele origin: germline.

PreventionGenetics, part of Exact Sciences
Classification: Likely benign for PCARE-related condition. Last evaluated: 2025-01-14. Review status: criteria provided, single submitter. Criteria: ACMG Guidelines, 2015. Collection method: clinical testing. Allele origin: germline.
Comment: This variant is classified as likely benign based on ACMG/AMP sequence variant interpretation guidelines (Richards et al. 2015 PMID: 25741868, with internal and published modifications).

ARUP Laboratories, Molecular Genetics and Genomics, ARUP Laboratories
Classification: Uncertain significance. Last evaluated: 2018-07-09. Review status: criteria provided, single submitter. Criteria: ARUP Molecular Germline Variant Investigation Process. Collection method: clinical testing. Allele origin: germline.
Comment: The C2orf71 c.2890G>A;p.Gly964Ser variant has not been published in the medical literature, gene-specific databases, or in the ClinVar database. The variant is listed in the dbSNP variant database (rs371925633) with an allele frequency of up to 0.0254 percent (1/3929 alleles) in African Americans in the Exome Variant Server and 0.2599 percent (80/30782 alleles, 1 homozygote) in South Asians in the Genome Aggregation Database. The amino acid at this position is weakly conserved cross species, with both Rhesus and dog having a serine at this position, and computational algorithms (AlignGVGD, SIFT, MutationTaster) predict this variant is tolerated. Considering available information, the clinical significance of this variant cannot be determined with certainty. Pathogenic C2orf71 variants are causative for autosomal recessive retinitis pigmentosa (OMIM#613425).

NM_001029883.3(PCARE):c.2890G>A (p.Gly964Ser)

Gene: PCARE (photoreceptor cilium actin regulator; minus strand). Cytogenetic location: 2p23.2.
Variant type: single nucleotide variant.
Coding change: c.2890G>A on transcript NM_001029883.3 (MANE Select); coding-DNA position 2890, G replaced by A.
Protein change: p.Gly964Ser; replaces glycine 964 with serine.
Molecular consequence: missense variant.
Genome position (GRCh38, 1-based): chr2:29,071,372, C>T on the plus strand (G>A on the coding strand, the complement: PCARE is on the minus strand). VCF-style: chr2-29071372-C-T. GRCh37 (hg19) VCF-style: chr2-29294238-C-T.
Other names: short protein forms G964S.
Identifiers: ClinVar variation 618547 (VCV000618547.18), dbSNP rs371925633, ClinGen allele CA1592091.